The following is an entry in ClinVar:

NM_001370100.5(ZMYND11):c.917_918insA (p.Asp307fs)

Gene: ZMYND11 (zinc finger MYND-type containing 11; plus strand). Cytogenetic location: 10p15.3.
Variant type: Insertion.
Coding change: c.917_918insA on transcript NM_001370100.5 (MANE Select); coding-DNA positions 917 to 918, A inserted.
Protein change: p.Asp307fs; shifts the reading frame from aspartic acid 307.
Molecular consequence: frameshift variant. On other transcripts: non-coding transcript variant (1).
Genome position: GRCh38 VCF-style: chr10-242106-T-TA. GRCh37 (hg19) VCF-style: chr10-288046-T-TA.
Other names: c.560_561insA, p.Asp188fs (NM_001370123.2); c.446_447insA, p.Asp150fs (NM_001370124.3); c.917_918insA, p.Asp307fs (NM_006624.7, NM_001202468.1, NM_001370097.3 and 5 more transcripts); c.914_915insA, p.Asp306fs (NM_212479.4, NM_001370115.2); c.755_756insA, p.Asp253fs (NM_001202464.3, NM_001202467.1, NM_001370103.2 and 6 more transcripts); c.662_663insA, p.Asp222fs (NM_001202465.3, NM_001370110.2); c.752_753insA, p.Asp252fs (NM_001202466.3, NM_001370111.2); c.866_867insA, p.Asp290fs (NM_001330057.3, NM_001370112.2); and 7 more; short protein forms D150fs, D188fs, D205fs, D213fs, D222fs, D231fs, D252fs, D253fs.
Identifiers: ClinVar variation 4293744 (VCV004293744.1).

ClinVar aggregate classification (germline): Likely pathogenic (1 of 4 stars; one submission).

Conditions:
Intellectual developmental disorder, autosomal dominant 30, with speech delay and behavioral abnormalities. Also called: Intellectual disability, autosomal dominant 30. Identifiers: Orphanet 436151, MedGen C4015167, MONDO:0014486, OMIM 616083.

Submission:

3billion
Classification: Likely pathogenic for Intellectual developmental disorder, autosomal dominant 30, with speech delay and behavioral abnormalities. Last evaluated: 2024-06-18. Review status: criteria provided, single submitter. Criteria: ACMG Guidelines, 2015. Collection method: clinical testing. Allele origin: germline. Affected: yes.
Comment: The variant is not observed in the gnomAD v4.0.0 dataset. Predicted Consequence/Location: Frameshift: predicted to result in a loss or disruption of normal protein function through nonsense-mediated decay (NMD) or protein truncation. Multiple pathogenic variants are reported downstream of the variant. Therefore, this variant is classified as Likely pathogenic according to the recommendation of ACMG/AMP guideline.